The following is an entry in ClinVar:

NM_138370.3(PKDCC):c.749A>C (p.Glu250Ala)

Gene: PKDCC (protein kinase domain containing, cytoplasmic; plus strand). Cytogenetic location: 2p21.
Variant type: single nucleotide variant.
Coding change: c.749A>C on transcript NM_138370.3 (MANE Select); coding-DNA position 749, A replaced by C.
Protein change: p.Glu250Ala; replaces glutamic acid 250 with alanine.
Molecular consequence: missense variant.
Genome position (GRCh38, 1-based): chr2:42,053,348, A>C. VCF-style: chr2-42053348-A-C. GRCh37 (hg19) VCF-style: chr2-42280488-A-C.
Other names: short protein forms E250A.
Identifiers: ClinVar variation 3617793 (VCV003617793.2).

ClinVar aggregate classification (germline): Uncertain significance (1 of 4 stars; one submission).

gnomAD v4.1: 11 of 1,612,830 alleles (0.00068%); highest among the groups gnomAD compares: Admixed American, 0.018%; no homozygotes.

Submission:

Labcorp Genetics (formerly Invitae), Labcorp
Classification: Uncertain significance. Last evaluated: 2024-08-28. Review status: criteria provided, single submitter. Criteria: Invitae Variant Classification Sherloc (09022015). Collection method: clinical testing. Allele origin: germline.
Comment: This sequence change replaces glutamic acid, which is acidic and polar, with alanine, which is neutral and non-polar, at codon 250 of the PKDCC protein (p.Glu250Ala). This variant is present in population databases (rs201891287, gnomAD 0.03%). This variant has not been reported in the literature in individuals affected with PKDCC-related conditions. An algorithm developed to predict the effect of missense changes on protein structure and function (PolyPhen-2) suggests that this variant is likely to be disruptive. In summary, the available evidence is currently insufficient to determine the role of this variant in disease. Therefore, it has been classified as a Variant of Uncertain Significance.